The following is an entry in ClinVar:

ClinVar aggregate classification (germline): Likely pathogenic. Review status: criteria provided, single submitter (1 of 4 stars). 2 submissions from 1 submitter: Likely pathogenic (2). Last evaluated 2016-09-23.

Conditions:
Marfan syndrome (MFS). Also called: Marfan syndrome, classic; Marfan syndrome type 1; Marfan's syndrome; MARFAN SYNDROME, TYPE I; FBN1-Related Marfan Syndrome. Identifiers: Orphanet 284963, Orphanet 558, MedGen C0024796, MONDO:0007947, OMIM 154700.
Familial thoracic aortic aneurysm and aortic dissection (TAAD). Also called: Thoracic aortic aneurysms and dissections. Identifiers: Orphanet 91387, MedGen C4707243, MONDO:0019625.

Submissions (2):

Labcorp Genetics (formerly Invitae), Labcorp
Classification: Likely pathogenic for Marfan syndrome. Last evaluated: 2016-09-23. Review status: criteria provided, single submitter. Criteria: Invitae Variant Classification Sherloc (09022015). Collection method: clinical testing. Allele origin: germline.
Comment: This sequence change deletes 1 nucleotide from exon 65 of the FBN1 mRNA (c.8087delA), causing a frameshift at codon 2696. This creates a premature translational stop signal in the last exon of the FBN1 mRNA (p.Asn2696Thrfs*56). While this is not anticipated to result in nonsense mediated decay, it is expected to delete the last 119 amino acids of the FBN1 protein. This variant is not present in population databases (ExAC no frequency) and has not been reported in the literature in individuals with a FBN1-related disease. A different truncating variant downstream from this event (c.8534dup, p.Glu2846Argfs*5) has been determined to be pathogenic (PMID: 19293843). This suggests that the residues downstream are critical for FBN1 protein function and that other truncating variants that do not result in nonsense mediated decay may also be pathogenic. In summary, this variant is a novel deletion that affects residues critical for FBN1 function. This evidence indicates that the variant is pathogenic, but additional data is needed to prove that conclusively. Therefore, this variant has been classified as Likely Pathogenic.

Labcorp Genetics (formerly Invitae), Labcorp
Classification: Likely pathogenic for Marfan syndrome; Familial thoracic aortic aneurysm and aortic dissection. Last evaluated: 2016-09-23. Review status: criteria provided, single submitter. Criteria: Invitae Variant Classification Sherloc (09022015). Collection method: clinical testing. Allele origin: germline.
Comment: In summary, this variant is a novel deletion that affects residues critical for FBN1 function. This evidence indicates that the variant is pathogenic, but additional data is needed to prove that conclusively. Therefore, this variant has been classified as Likely Pathogenic. A different truncating variant downstream from this event (c.8534dup, p.Glu2846Argfs*5) has been determined to be pathogenic (PMID: 19293843). This suggests that the residues downstream are critical for FBN1 protein function and that other truncating variants that do not result in nonsense mediated decay may also be pathogenic. This variant is not present in population databases (ExAC no frequency) and has not been reported in the literature in individuals with a FBN1-related disease. This sequence change deletes 1 nucleotide from exon 65 of the FBN1 mRNA (c.8087delA), causing a frameshift at codon 2696. This creates a premature translational stop signal in the last exon of the FBN1 mRNA (p.Asn2696Thrfs*56). While this is not anticipated to result in nonsense mediated decay, it is expected to delete the last 119 amino acids of the FBN1 protein.

Literature cited by the submitters: PubMed 19293843.

NM_000138.5(FBN1):c.8087del (p.Asn2696fs)

Gene: FBN1 (fibrillin 1; minus strand). Cytogenetic location: 15q21.1.
Variant type: Deletion.
Coding change: c.8087del on transcript NM_000138.5 (MANE Select); coding-DNA position 8087, one base deleted (A; older notation c.8087delA).
Protein change: p.Asn2696fs; shifts the reading frame from asparagine 2696.
Molecular consequence: frameshift variant.
Genome position (GRCh38, 1-based): chr15:48,412,708, T deleted on the plus strand (A on the coding strand, the reverse complement: FBN1 is on the minus strand); the first of 3 consecutive T bases (chr15:48,412,708-48,412,710); deleting any one gives the same sequence. VCF-style (leftmost placement, unchanged base first): chr15-48412707-GT-G. GRCh37 (hg19) VCF-style: chr15-48704904-GT-G.
Other names: c.8087delA (NM_000138.4); short protein forms N2696fs.
Identifiers: ClinVar variation 406336 (VCV000406336.9), dbSNP rs1060501065, ClinGen allele CA16614478.